The following is an entry in ClinVar:

ClinVar aggregate classification (germline): Benign. Review status: criteria provided, multiple submitters, no conflicts (2 of 4 stars). 2 submissions from 2 submitters: Benign (2). Last evaluated 2018-06-14.

Allele frequency attached by ClinVar (database versions not stated): gnomAD 0.11031 and 0.11109; 1000 Genomes Project 30x 0.11883; TOPMed 0.11887; gnomAD exomes 0.11889; 1000 Genomes Project 0.12121.
gnomAD v4.1: 124,714 of 1,057,206 alleles (12%); highest among the groups gnomAD compares: East Asian, 25%; 8,264 homozygotes.

Submissions (2):

GeneDx
Classification: Benign. Last evaluated: 2018-06-14. Review status: criteria provided, single submitter. Criteria: GeneDx Variant Classification (06012015). Collection method: clinical testing. Allele origin: germline. Affected: yes.
Comment: This variant is considered likely benign or benign based on one or more of the following criteria: it is a conservative change, it occurs at a poorly conserved position in the protein, it is predicted to be benign by multiple in silico algorithms, and/or has population frequency not consistent with disease.

Breakthrough Genomics
Classification: Benign. Review status: criteria provided, single submitter. Criteria: ACMG Guidelines, 2015. Collection method: not provided. Allele origin: germline. Inheritance: Autosomal recessive inheritance. Affected: yes.

NM_022356.4(P3H1):c.1838+74T>C

Gene: P3H1 (prolyl 3-hydroxylase 1; minus strand). Cytogenetic location: 1p34.2.
Variant type: single nucleotide variant.
Coding change: c.1838+74T>C on transcript NM_022356.4 (MANE Select); 74 bases into the intron after coding-DNA position 1838, T replaced by C.
Molecular consequence: intron variant.
Genome position (GRCh38, 1-based): chr1:42,748,126, A>G on the plus strand (T>C on the coding strand, the complement: P3H1 is on the minus strand). VCF-style: chr1-42748126-A-G. GRCh37 (hg19) VCF-style: chr1-43213797-A-G.
Other names: c.1838+74T>C (NM_001146289.2, NM_001243246.2).
Identifiers: ClinVar variation 674900 (VCV000674900.2), dbSNP rs3738500, ClinGen allele CA10877613.